The following is an entry in ClinVar:

NM_001256627.2(BRSK2):c.1669-4A>G

Gene: BRSK2 (BR serine/threonine kinase 2; plus strand). Cytogenetic location: 11p15.5.
Variant type: single nucleotide variant.
Coding change: c.1669-4A>G on transcript NM_001256627.2 (MANE Select); 4 bases into the intron before coding-DNA position 1669, A replaced by G.
Molecular consequence: intron variant.
Genome position (GRCh38, 1-based): chr11:1,456,344, A>G. VCF-style: chr11-1456344-A-G. GRCh37 (hg19) VCF-style: chr11-1477574-A-G.
Other names: c.1669-4A>G (NM_001256629.2, NM_003957.4); c.1489-4A>G (NM_001282218.2); c.1807-4A>G (NM_001256630.1).
Identifiers: ClinVar variation 3257682 (VCV003257682.18).
Genomic context (GRCh38, chr11:1,456,344, plus strand): 5'-CTCCCCAGAGGGCCAGGGTGGGACCTGCCAGGCCAGCCACGCTCACGCTGCTCTCTCTCC[A>G]CAGATTCCCAGTCTCAGCCACAGCGTCATCTCCCAAACGAGCTTCCGGGCCGAGTACAAG-3'

ClinVar aggregate classification (germline): Likely benign. Review status: criteria provided, multiple submitters, no conflicts (2 of 4 stars). 2 submissions from 2 submitters: Likely benign (2). Last evaluated 2025-12-01.

gnomAD v4.1: 283 of 1,554,814 alleles (0.018%); highest among the groups gnomAD compares: Middle Eastern, 0.26%; 2 homozygotes.

Submissions (2):

CeGaT Center for Human Genetics Tuebingen
Classification: Likely benign. Last evaluated: 2025-12-01. Review status: criteria provided, single submitter. Criteria: CeGaT Center For Human Genetics Tuebingen Variant Classification Criteria Version 2. Collection method: clinical testing. Allele origin: germline. Affected: yes. Observed: 3 variant alleles.
Comment: BRSK2: BP4, BS1

Blueprint Genetics
Classification: Likely benign. Last evaluated: 2024-09-25. Review status: criteria provided, single submitter. Criteria: ACMG Guidelines, 2015. Collection method: clinical testing. Allele origin: germline.